The following is an entry in ClinVar:

ClinVar aggregate classification (germline): Conflicting classifications of pathogenicity. Review status: criteria provided, conflicting classifications (1 of 4 stars). 7 submissions from 7 submitters: Uncertain significance (5); Likely benign (1). 1 of the submissions does not count toward it. Last evaluated 2026-07-22.

Conditions:
Cardiovascular phenotype. Identifiers: MedGen CN230736.
Alstrom syndrome (ALMS). Identifiers: Orphanet 64, MedGen C0268425, MONDO:0008763, OMIM 203800.

Allele frequency attached by ClinVar (database versions not stated): TOPMed 0.00009; gnomAD 0.00015 and 0.00013; gnomAD exomes 0.00005; ESP Exome Variant Server 0.00025; ExAC 0.00004.
gnomAD v4.1: 82 of 1,614,120 alleles (0.0051%); highest among the groups gnomAD compares: African/African-American, 0.025%; no homozygotes.

Submissions (7):

GeneDx
Classification: Uncertain significance. Last evaluated: 2026-07-22. Review status: criteria provided, single submitter. Criteria: GeneDx Variant Classification Process June 2021. Collection method: clinical testing. Allele origin: germline.
Comment: Reported in a patient with blindness in published literature (Dineiro et al., 2020); Not observed at significant frequency in large population cohorts (gnomAD); In silico analysis suggests that this missense variant does not alter protein structure/function; This variant is associated with the following publications: (PMID: 32483926)

Women's Health and Genetics/Laboratory Corporation of America, LabCorp
Classification: Uncertain significance. Last evaluated: 2023-10-19. Review status: criteria provided, single submitter. Criteria: LabCorp Variant Classification Summary - May 2015. Collection method: clinical testing. Allele origin: germline.
Comment: Variant summary: ALMS1 c.8105C>T/p.Pro2702Leu (also knwon as c.8111C>T/p.Pro2704Leu) results in a non-conservative amino acid change in the encoded protein sequence. Two of three in-silico tools predict a benign effect of the variant on protein function. The variant allele was found at a frequency of 4.8e-05 in 249548 control chromosomes. This frequency is not significantly higher than estimated for a pathogenic variant in ALMS1 causing Alstrom Syndrome (4.8e-05 vs 0.0014), allowing no conclusion about variant significance. c.8105C>T has been reported in the literature in individuals affected with Alstrom Syndrome. These report(s) do not provide unequivocal conclusions about association of the variant with retinal and optical nerve disorders. To our knowledge, no experimental evidence demonstrating an impact on protein function has been reported. Six submitters have cited clinical-significance assessments for this variant to ClinVar after 2014 (VUS n=5, likely benign n=1). Based on the evidence outlined above, the variant was classified as uncertain significance.

Labcorp Genetics (formerly Invitae), Labcorp
Classification: Uncertain significance for Alstrom syndrome. Last evaluated: 2022-10-24. Review status: criteria provided, single submitter. Criteria: Invitae Variant Classification Sherloc (09022015). Collection method: clinical testing. Allele origin: germline.
Comment: This sequence change replaces proline, which is neutral and non-polar, with leucine, which is neutral and non-polar, at codon 2704 of the ALMS1 protein (p.Pro2704Leu). This variant is present in population databases (rs199604280, gnomAD 0.01%). This variant has not been reported in the literature in individuals affected with ALMS1-related conditions. ClinVar contains an entry for this variant (Variation ID: 969259). Algorithms developed to predict the effect of missense changes on protein structure and function output the following: SIFT: "Not Available"; PolyPhen-2: "Not Available"; Align-GVGD: "Not Available". The leucine amino acid residue is found in multiple mammalian species, which suggests that this missense change does not adversely affect protein function. In summary, the available evidence is currently insufficient to determine the role of this variant in disease. Therefore, it has been classified as a Variant of Uncertain Significance.

Fulgent Genetics
Classification: Uncertain significance for Alstrom syndrome. Last evaluated: 2022-04-30. Review status: criteria provided, single submitter. Criteria: ACMG Guidelines, 2015. Collection method: clinical testing. Allele origin: unknown.

New York Genome Center
Classification: Uncertain significance for Alstrom syndrome. Last evaluated: 2021-07-13. Review status: criteria provided, single submitter. Criteria: NYGC Assertion Criteria 2020. Collection method: clinical testing. Allele origin: germline. Observed: 1 heterozygote.

Ambry Genetics
Classification: Likely benign for Cardiovascular phenotype. Last evaluated: 2020-02-10. Review status: criteria provided, single submitter. Criteria: Ambry Variant Classification Scheme 2023. Collection method: clinical testing. Allele origin: germline.

Natera, Inc.
Classification: Uncertain significance for Alstrom syndrome. Last evaluated: 2021-04-26. Review status: no assertion criteria provided. Collection method: clinical testing. Allele origin: germline. Not counted in ClinVar's aggregate classification.

Literature cited by the submitters: PubMed 32483926 (cited by Women's Health and Genetics/Laboratory Corporation of America, LabCorp).

NM_001378454.1(ALMS1):c.8108C>T (p.Pro2703Leu)

Gene: ALMS1 (ALMS1 centrosome and basal body associated protein; plus strand). Cytogenetic location: 2p13.1.
Variant type: single nucleotide variant.
Coding change: c.8108C>T on transcript NM_001378454.1 (MANE Select); coding-DNA position 8108, C replaced by T.
Protein change: p.Pro2703Leu; replaces proline 2703 with leucine.
Molecular consequence: missense variant.
Genome position (GRCh38, 1-based): chr2:73,490,067, C>T. VCF-style: chr2-73490067-C-T. GRCh37 (hg19) VCF-style: chr2-73717194-C-T.
Other names: c.8111C>T, p.Pro2704Leu (NM_015120.4); short protein forms P2704L, P2703L.
Identifiers: ClinVar variation 969259 (VCV000969259.17), dbSNP rs199604280, ClinGen allele CA1714402.